The following is an entry in ClinVar:

NM_025144.4(ALPK1):c.1760C>T (p.Ser587Leu)

Gene: ALPK1 (alpha kinase 1; plus strand). Cytogenetic location: 4q25.
Variant type: single nucleotide variant.
Coding change: c.1760C>T on transcript NM_025144.4 (MANE Select); coding-DNA position 1760, C replaced by T.
Protein change: p.Ser587Leu; replaces serine 587 with leucine.
Molecular consequence: missense variant.
Genome position (GRCh38, 1-based): chr4:112,431,307, C>T. VCF-style: chr4-112431307-C-T. GRCh37 (hg19) VCF-style: chr4-113352463-C-T.
Other names: c.1760C>T, p.Ser587Leu (NM_001102406.2); c.1526C>T, p.Ser509Leu (NM_001253884.2); short protein forms S509L, S587L.
Identifiers: ClinVar variation 4797474 (VCV004797474.1).

ClinVar aggregate classification (germline): Uncertain significance (1 of 4 stars; one submission).

gnomAD v4.1: 1 of 1,614,194 alleles (0.000062%); highest among the groups gnomAD compares: Non-Finnish European, 0.000085%; no homozygotes.

Submission:

Labcorp Genetics (formerly Invitae), Labcorp
Classification: Uncertain significance. Last evaluated: 2025-11-05. Review status: criteria provided, single submitter. Criteria: Invitae Variant Classification Sherloc (09022015). Collection method: clinical testing. Allele origin: germline.
Comment: This sequence change replaces serine, which is neutral and polar, with leucine, which is neutral and non-polar, at codon 587 of the ALPK1 protein (p.Ser587Leu). This variant is not present in population databases (gnomAD no frequency). This variant has not been reported in the literature in individuals affected with ALPK1-related conditions. Invitae Evidence Modeling of protein sequence and biophysical properties (such as structural, functional, and spatial information, amino acid conservation, physicochemical variation, residue mobility, and thermodynamic stability) indicates that this missense variant is expected to disrupt ALPK1 protein function with a positive predictive value of 80%. In summary, the available evidence is currently insufficient to determine the role of this variant in disease. Therefore, it has been classified as a Variant of Uncertain Significance.